The following is an entry in ClinVar:

NM_000214.3(JAG1):c.2109C>A (p.His703Gln)

Gene: JAG1 (jagged canonical Notch ligand 1; minus strand). Cytogenetic location: 20p12.2.
Variant type: single nucleotide variant.
Coding change: c.2109C>A on transcript NM_000214.3 (MANE Select); coding-DNA position 2109, C replaced by A.
Protein change: p.His703Gln; replaces histidine 703 with glutamine.
Molecular consequence: missense variant.
Genome position (GRCh38, 1-based): chr20:10,645,360, G>T on the plus strand (C>A on the coding strand, the complement: JAG1 is on the minus strand). VCF-style: chr20-10645360-G-T. GRCh37 (hg19) VCF-style: chr20-10626008-G-T.
Other names: short protein forms H703Q.
Identifiers: ClinVar variation 4614288 (VCV004614288.1).
Genomic context (GRCh38, chr20:10,645,360, plus strand): 5'-ACAGAAGACAGAGGGAAGGGTCCCAGAGATAGCATCCAAGGCCAACTACCACTTACGTGA[G>T]TGGCAGGTCTTTCCTTTCCACCCATTTTTACAGTCACAGTAGAAGTCATTGACCAGGTCG-3'
Protein context (NP_000205.1, residues 693-713): CKNGWKGKTC[His703Gln]SRDSQCDEAT

ClinVar aggregate classification (germline): Uncertain significance (1 of 4 stars; one submission).

Conditions:
Cardiovascular phenotype. Identifiers: MedGen CN230736.

Submission:

Ambry Genetics
Classification: Uncertain significance for Cardiovascular phenotype. Last evaluated: 2025-11-25. Review status: criteria provided, single submitter. Criteria: Ambry Variant Classification Scheme 2023. Collection method: clinical testing. Allele origin: germline.
Comment: The p.H703Q variant (also known as c.2109C>A), located in coding exon 16 of the JAG1 gene, results from a C to A substitution at nucleotide position 2109. The histidine at codon 703 is replaced by glutamine, an amino acid with highly similar properties. This amino acid position is conserved. In addition, the in silico prediction for this alteration is inconclusive. Based on the available evidence, the clinical significance of this variant remains unclear.